The following is an entry in ClinVar:

NM_001165963.4(SCN1A):c.5298dup (p.Val1767fs)

Genes: SCN1A (sodium voltage-gated channel alpha subunit 1; minus strand), LOC102724058 (uncharacterized LOC102724058; plus strand). Cytogenetic location: 2q24.3.
Variant type: Duplication.
Coding change: c.5298dup on transcript NM_001165963.4 (MANE Select); coding-DNA position 5298, one base duplicated (T; older notation c.5298dupT).
Protein change: p.Val1767fs; shifts the reading frame from valine 1767.
Molecular consequence: frameshift variant. On other transcripts: non-coding transcript variant (1).
Genome position (GRCh38, 1-based): chr2:165,991,977, A duplicated on the plus strand (T on the coding strand, the reverse complement: SCN1A is on the minus strand); the first of 6 consecutive A bases (chr2:165,991,977-165,991,982); duplicating any one gives the same sequence. VCF-style (leftmost placement, unchanged base first): chr2-165991976-C-CA. GRCh37 (hg19) VCF-style: chr2-166848486-C-CA.
Other names: c.5214dup, p.Val1739fs (NM_001165964.3, NM_001353957.2, NM_001353958.2); c.5298dup, p.Val1767fs (NM_001202435.3, NM_001353948.2); c.5265dup, p.Val1756fs (NM_001353949.2, NM_001353950.2, NM_001353951.2 and 2 more transcripts); c.5262dup, p.Val1755fs (NM_001353954.2, NM_001353955.2); c.5211dup, p.Val1738fs (NM_001353960.2); c.2856dup, p.Val953fs (NM_001353961.2); short protein forms V1755fs, V1739fs, V1756fs, V1767fs, V1738fs, V953fs.
Identifiers: ClinVar variation 3720365 (VCV003720365.2).

ClinVar aggregate classification (germline): Pathogenic (1 of 4 stars; one submission).

Conditions:
Early-infantile DEE. Also called: Ohtahara syndrome; Early infantile epileptic encephalopathy with suppression bursts; Early infantile epileptic encephalopathy. Identifiers: Orphanet 1934, MedGen C0393706, MONDO:0800491.

Submission:

Labcorp Genetics (formerly Invitae), Labcorp
Classification: Pathogenic for Early-infantile DEE. Last evaluated: 2024-06-07. Review status: criteria provided, single submitter. Criteria: Invitae Variant Classification Sherloc (09022015). Collection method: clinical testing. Allele origin: germline.
Comment: This sequence change creates a premature translational stop signal (p.Val1767Cysfs*28) in the SCN1A gene. While this is not anticipated to result in nonsense mediated decay, it is expected to disrupt the last 243 amino acid(s) of the SCN1A protein. This variant is not present in population databases (gnomAD no frequency). This variant has not been reported in the literature in individuals affected with SCN1A-related conditions. Algorithms developed to predict the effect of sequence changes on RNA splicing suggest that this variant may create or strengthen a splice site. This variant disrupts a region of the SCN1A protein in which other variant(s) (p.Gln1923Lys) have been determined to be pathogenic (Invitae). This suggests that this is a clinically significant region of the protein, and that variants that disrupt it are likely to be disease-causing. For these reasons, this variant has been classified as Pathogenic.